The following is an entry in ClinVar:

NM_015662.3(IFT172):c.4282G>A (p.Asp1428Asn)

Gene: IFT172 (intraflagellar transport 172; minus strand). Cytogenetic location: 2p23.3.
Variant type: single nucleotide variant.
Coding change: c.4282G>A on transcript NM_015662.3 (MANE Select); coding-DNA position 4282, G replaced by A.
Protein change: p.Asp1428Asn; replaces aspartic acid 1428 with asparagine.
Molecular consequence: missense variant.
Genome position (GRCh38, 1-based): chr2:27,449,323, C>T on the plus strand (G>A on the coding strand, the complement: IFT172 is on the minus strand). VCF-style: chr2-27449323-C-T. GRCh37 (hg19) VCF-style: chr2-27672190-C-T.
Other names: short protein forms D1428N.
Identifiers: ClinVar variation 1045111 (VCV001045111.8), dbSNP rs1665443007, ClinGen allele CA346420890.

ClinVar aggregate classification (germline): Uncertain significance (1 of 4 stars; one submission).

Conditions:
Short-rib thoracic dysplasia 10 with or without polydactyly (SRTD10). Identifiers: Orphanet 474, MedGen C3810175, MONDO:0014284, OMIM 615630.
Retinitis pigmentosa 71 (RP71). Identifiers: Orphanet 791, MedGen C4225342, MONDO:0014618, OMIM 616394.

Submission:

Labcorp Genetics (formerly Invitae), Labcorp
Classification: Uncertain significance for Retinitis pigmentosa 71; Short-rib thoracic dysplasia 10 with or without polydactyly. Last evaluated: 2024-03-04. Review status: criteria provided, single submitter. Criteria: Invitae Variant Classification Sherloc (09022015). Collection method: clinical testing. Allele origin: germline.
Comment: This sequence change replaces aspartic acid, which is acidic and polar, with asparagine, which is neutral and polar, at codon 1428 of the IFT172 protein (p.Asp1428Asn). This variant is not present in population databases (gnomAD no frequency). This variant has not been reported in the literature in individuals affected with IFT172-related conditions. ClinVar contains an entry for this variant (Variation ID: 1045111). Advanced modeling of protein sequence and biophysical properties (such as structural, functional, and spatial information, amino acid conservation, physicochemical variation, residue mobility, and thermodynamic stability) performed at Invitae indicates that this missense variant is not expected to disrupt IFT172 protein function with a negative predictive value of 80%. In summary, the available evidence is currently insufficient to determine the role of this variant in disease. Therefore, it has been classified as a Variant of Uncertain Significance.